The following is an entry in ClinVar:

ClinVar aggregate classification (germline): Pathogenic. Review status: criteria provided, multiple submitters, no conflicts (2 of 4 stars). 2 submissions from 2 submitters: Pathogenic (2). Last evaluated 2026-04-01.

gnomAD v4.1: 1 of 1,612,334 alleles (0.000062%); highest among the groups gnomAD compares: South Asian, 0.0011%; no homozygotes.

Submissions (2):

CeGaT Center for Human Genetics Tuebingen
Classification: Pathogenic. Last evaluated: 2026-04-01. Review status: criteria provided, single submitter. Criteria: CeGaT Center For Human Genetics Tuebingen Variant Classification Criteria Version 2. Collection method: clinical testing. Allele origin: germline. Affected: yes. Observed: 2 variant alleles.
Comment: ROBO1: PVS1, PM2

GeneDx
Classification: Pathogenic. Last evaluated: 2025-07-30. Review status: criteria provided, single submitter. Criteria: GeneDx Variant Classification Process June 2021. Collection method: clinical testing. Allele origin: germline.
Comment: Nonsense variant predicted to result in protein truncation or nonsense mediated decay in a gene for which loss of function is a known mechanism of disease; Not observed at significant frequency in large population cohorts (gnomAD); This variant is associated with the following publications: (PMID: 38025229)

NM_002941.4(ROBO1):c.856C>T (p.Arg286Ter)

Gene: ROBO1 (roundabout guidance receptor 1; minus strand). Cytogenetic location: 3p12.3.
Variant type: single nucleotide variant.
Coding change: c.856C>T on transcript NM_002941.4 (MANE Select); coding-DNA position 856, C replaced by T.
Protein change: p.Arg286Ter; replaces arginine 286 with a stop codon.
Molecular consequence: nonsense.
Genome position (GRCh38, 1-based): chr3:78,717,336, G>A on the plus strand (C>T on the coding strand, the complement: ROBO1 is on the minus strand). VCF-style: chr3-78717336-G-A. GRCh37 (hg19) VCF-style: chr3-78766486-G-A.
Other names: c.739C>T, p.Arg247Ter (NM_001145845.2, NM_133631.4); short protein forms R247*, R286*.
Identifiers: ClinVar variation 3573521 (VCV003573521.8).